The following is an entry in ClinVar:

NM_000245.4(MET):c.3470T>C (p.Leu1157Pro)

Gene: MET (MET proto-oncogene, receptor tyrosine kinase; plus strand). Cytogenetic location: 7q31.2.
Variant type: single nucleotide variant.
Coding change: c.3470T>C on transcript NM_000245.4 (MANE Select); coding-DNA position 3470, T replaced by C.
Protein change: p.Leu1157Pro; replaces leucine 1157 with proline.
Molecular consequence: missense variant.
Genome position (GRCh38, 1-based): chr7:116,778,905, T>C. VCF-style: chr7-116778905-T-C. GRCh37 (hg19) VCF-style: chr7-116418959-T-C.
Other names: c.3524T>C, p.Leu1175Pro (NM_001127500.3); c.2180T>C, p.Leu727Pro (NM_001324402.2); short protein forms L1157P, L727P, L1175P.
Identifiers: ClinVar variation 3633207 (VCV003633207.2).
Genomic context (GRCh38, chr7:116,778,905, plus strand): 5'-CCAATGTCCTCTCGCTCCTGGGAATCTGCCTGCGAAGTGAAGGGTCTCCGCTGGTGGTCC[T>C]ACCATACATGAAACATGGAGATCTTCGAAATTTCATTCGAAATGAGACTCATGTAAGTTG-3'
Protein context (NP_000236.2, residues 1147-1167): LRSEGSPLVV[Leu1157Pro]PYMKHGDLRN

ClinVar aggregate classification (germline): Uncertain significance (1 of 4 stars; one submission).

Conditions:
Renal cell carcinoma. Identifiers: Orphanet 217071, MedGen C0007134, MeSH D002292, MONDO:0005086, HP:0005584.

Submission:

Labcorp Genetics (formerly Invitae), Labcorp
Classification: Uncertain significance for Renal cell carcinoma. Last evaluated: 2024-01-24. Review status: criteria provided, single submitter. Criteria: Invitae Variant Classification Sherloc (09022015). Collection method: clinical testing. Allele origin: germline.
Comment: This sequence change replaces leucine, which is neutral and non-polar, with proline, which is neutral and non-polar, at codon 1175 of the MET protein (p.Leu1175Pro). This variant is not present in population databases (gnomAD no frequency). This variant has not been reported in the literature in individuals affected with MET-related conditions. Advanced modeling of protein sequence and biophysical properties (such as structural, functional, and spatial information, amino acid conservation, physicochemical variation, residue mobility, and thermodynamic stability) performed at Invitae indicates that this missense variant is expected to disrupt MET protein function with a positive predictive value of 80%. In summary, the available evidence is currently insufficient to determine the role of this variant in disease. Therefore, it has been classified as a Variant of Uncertain Significance.